The following is an entry in ClinVar:

ClinVar aggregate classification (germline): Uncertain significance (1 of 4 stars; one submission).

Conditions:
Familial adenomatous polyposis 1 (FAP1). Also called: FAMILIAL ADENOMATOUS POLYPOSIS 1, ATTENUATED; POLYPOSIS, ADENOMATOUS INTESTINAL. Identifiers: MedGen C2713442, MONDO:0021056, OMIM 175100. Disease mechanism: loss of function.

Submission:

Labcorp Genetics (formerly Invitae), Labcorp
Classification: Uncertain significance for Familial adenomatous polyposis 1. Last evaluated: 2023-06-29. Review status: criteria provided, single submitter. Criteria: Invitae Variant Classification Sherloc (09022015). Collection method: clinical testing. Allele origin: germline.
Comment: In summary, the available evidence is currently insufficient to determine the role of this variant in disease. Therefore, it has been classified as a Variant of Uncertain Significance. Experimental studies and prediction algorithms are not available or were not evaluated, and the functional significance of this variant is currently unknown. This variant has not been reported in the literature in individuals affected with APC-related conditions. This variant is not present in population databases (gnomAD no frequency). This variant occurs in a non-coding region of the APC gene. It does not change the encoded amino acid sequence of the APC protein.

NC_000005.10:g.112707442C>G

Gene: APC (APC regulator of Wnt signaling pathway; plus strand). Cytogenetic location: 5q22.2.
Variant type: single nucleotide variant.
Genome position: GRCh38 VCF-style: chr5-112707442-C-G. GRCh37 (hg19) VCF-style: chr5-112043139-C-G.
Identifiers: ClinVar variation 1044099 (VCV001044099.8), dbSNP rs1313658633, ClinGen allele CA1573442303.